The following is an entry in ClinVar:

ClinVar aggregate classification (germline): Uncertain significance (1 of 4 stars; one submission).

Conditions:
Disseminated atypical mycobacterial infection. Identifiers: MedGen C0694566.

Allele frequency attached by ClinVar (database versions not stated): TOPMed 0.00001.

Submission:

Labcorp Genetics (formerly Invitae), Labcorp
Classification: Uncertain significance for Disseminated atypical mycobacterial infection. Last evaluated: 2020-10-08. Review status: criteria provided, single submitter. Criteria: Invitae Variant Classification Sherloc (09022015). Collection method: clinical testing. Allele origin: germline.
Comment: Algorithms developed to predict the effect of missense changes on protein structure and function are either unavailable or do not agree on the potential impact of this missense change (SIFT: "Deleterious"; PolyPhen-2: "Benign"; Align-GVGD: "Class C0"). In summary, the available evidence is currently insufficient to determine the role of this variant in disease. Therefore, it has been classified as a Variant of Uncertain Significance. This variant has not been reported in the literature in individuals with IFNGR1-related conditions. This variant is not present in population databases (ExAC no frequency). This sequence change replaces aspartic acid with tyrosine at codon 124 of the IFNGR1 protein (p.Asp124Tyr). The aspartic acid residue is weakly conserved and there is a large physicochemical difference between aspartic acid and tyrosine.

NM_000416.3(IFNGR1):c.370G>T (p.Asp124Tyr)

Gene: IFNGR1 (interferon gamma receptor 1; minus strand). Cytogenetic location: 6q23.3.
Variant type: single nucleotide variant.
Coding change: c.370G>T on transcript NM_000416.3 (MANE Select); coding-DNA position 370, G replaced by T.
Protein change: p.Asp124Tyr; replaces aspartic acid 124 with tyrosine.
Molecular consequence: missense variant.
Genome position (GRCh38, 1-based): chr6:137,206,139, C>A on the plus strand (G>T on the coding strand, the complement: IFNGR1 is on the minus strand). VCF-style: chr6-137206139-C-A. GRCh37 (hg19) VCF-style: chr6-137527276-C-A.
Other names: c.340G>T, p.Asp114Tyr (NM_001363526.1); c.247G>T, p.Asp83Tyr (NM_001363527.1); short protein forms D114Y, D124Y, D83Y.
Identifiers: ClinVar variation 1015617 (VCV001015617.10), dbSNP rs1779421721, ClinGen allele CA365775587.
Genomic context (GRCh38, chr6:137,206,139, plus strand): 5'-AAGACATGTATAAATATTTTCCAATTTAAAATTTACATGTGTACACATTCTACTCACCAT[C>A]TCGGCATACAGCAAATTCTTCTGACTTTGCATAGGCAGATTCTTTTTGTCCAACCCTGGC-3'
Protein context (NP_000407.1, residues 114-134): AKSEEFAVCR[Asp124Tyr]GKIGPPKLDI